The following is an entry in ClinVar:

ClinVar aggregate classification (germline): Likely pathogenic. Review status: criteria provided, multiple submitters, no conflicts (2 of 4 stars). 2 submissions from 2 submitters: Likely pathogenic (2). Last evaluated 2025-02-24.

Conditions:
Ehlers-Danlos syndrome, cardiac valvular type. Identifiers: Orphanet 230851, MedGen C4303789, MONDO:0009159, OMIM 225320.
Osteogenesis imperfecta, perinatal lethal (OI2). Also called: VROLIK TYPE OF OSTEOGENESIS IMPERFECTA; Osteogenesis imperfecta type 2; Osteogenesis imperfecta, dominant perinatal lethal; OSTEOGENESIS IMPERFECTA, TYPE II; OI, TYPE II; OSTEOGENESIS IMPERFECTA CONGENITA. Identifiers: Orphanet 216804, MedGen C0268358, MONDO:0008147, OMIM 166210.

Submissions (2):

Women's Health and Genetics/Laboratory Corporation of America, LabCorp
Classification: Likely pathogenic for Ehlers-Danlos syndrome, cardiac valvular type. Last evaluated: 2025-02-24. Review status: criteria provided, single submitter. Criteria: LabCorp Variant Classification Summary - May 2015. Collection method: clinical testing. Allele origin: germline.
Comment: Variant summary: COL1A2 c.2711G>A (p.Gly904Glu) results in a non-conservative amino acid change located in the triple helix domain of the encoded protein sequence. Alterations of glycine residues within the collagen triple-helix are common mechanisms of disease. Five of five in-silico tools predict a damaging effect of the variant on protein function. The variant was absent in 251376 control chromosomes. To our knowledge, no occurrence of c.2711G>A in individuals affected with COL1A2-related disorders and no experimental evidence demonstrating its impact on protein function have been reported. A different variant affecting the same codon has been classified as pathogenic by our lab (c.2710G>C, p.Gly904Arg), supporting the critical relevance of codon 904 to COL1A2 protein function. ClinVar contains an entry for this variant (Variation ID: 1341504). Based on the evidence outlined above, the variant was classified as likely pathogenic.

Institute of Medical Genetics and Genomics, Sir Ganga Ram Hospital
Classification: Likely pathogenic for Osteogenesis imperfecta, perinatal lethal. Last evaluated: 2022-02-06. Review status: criteria provided, single submitter. Criteria: ACMG Guidelines, 2015. Collection method: clinical testing. Allele origin: germline. Affected: yes. Observed: 1 variant allele.

Literature cited by the submitters: PubMed 12362985 (cited by Institute of Medical Genetics and Genomics, Sir Ganga Ram Hospital); PubMed 6191221 (cited by Institute of Medical Genetics and Genomics, Sir Ganga Ram Hospital); PubMed 27519266 (cited by Institute of Medical Genetics and Genomics, Sir Ganga Ram Hospital).

NM_000089.4(COL1A2):c.2711G>A (p.Gly904Glu)

Gene: COL1A2 (collagen type I alpha 2 chain; plus strand). Cytogenetic location: 7q21.3.
Variant type: single nucleotide variant.
Coding change: c.2711G>A on transcript NM_000089.4 (MANE Select); coding-DNA position 2711, G replaced by A.
Protein change: p.Gly904Glu; replaces glycine 904 with glutamic acid.
Molecular consequence: missense variant.
Genome position (GRCh38, 1-based): chr7:94,425,154, G>A. VCF-style: chr7-94425154-G-A. GRCh37 (hg19) VCF-style: chr7-94054466-G-A.
Other names: p.Gly904Glu; short protein forms G904E.
Identifiers: ClinVar variation 1341504 (VCV001341504.4), dbSNP rs775246283, ClinGen allele CA368224460.